The following is an entry in ClinVar:

ClinVar aggregate classification (germline): Uncertain significance. Review status: criteria provided, multiple submitters, no conflicts (2 of 4 stars). 3 submissions from 3 submitters: Uncertain significance (3). Last evaluated 2025-09-28.

Conditions:
Inborn genetic diseases. Identifiers: MedGen C0950123, MeSH D030342.

gnomAD v4.1: 13 of 1,613,996 alleles (0.00081%); highest among the groups gnomAD compares: African/African-American, 0.0067%; no homozygotes.

Submissions (3):

Labcorp Genetics (formerly Invitae), Labcorp
Classification: Uncertain significance. Last evaluated: 2025-09-28. Review status: criteria provided, single submitter. Criteria: Invitae Variant Classification Sherloc (09022015). Collection method: clinical testing. Allele origin: germline.
Comment: This sequence change replaces proline, which is neutral and non-polar, with threonine, which is neutral and polar, at codon 820 of the VCAN protein (p.Pro820Thr). This variant is present in population databases (no rsID available, gnomAD 0.006%). This variant has not been reported in the literature in individuals affected with VCAN-related conditions. An algorithm developed to predict the effect of missense changes on protein structure and function (PolyPhen-2) suggests that this variant is likely to be tolerated. In summary, the available evidence is currently insufficient to determine the role of this variant in disease. Therefore, it has been classified as a Variant of Uncertain Significance.

Ambry Genetics
Classification: Uncertain significance for Inborn genetic diseases. Last evaluated: 2025-06-24. Review status: criteria provided, single submitter. Criteria: Ambry Variant Classification Scheme 2023. Collection method: clinical testing. Allele origin: germline.

Blueprint Genetics
Classification: Uncertain significance. Last evaluated: 2021-08-16. Review status: criteria provided, single submitter. Criteria: ACMG Guidelines, 2015. Collection method: clinical testing. Allele origin: germline.

NM_004385.5(VCAN):c.2458C>A (p.Pro820Thr)

Gene: VCAN (versican; plus strand). Cytogenetic location: 5q14.3.
Variant type: single nucleotide variant.
Coding change: c.2458C>A on transcript NM_004385.5 (MANE Select); coding-DNA position 2458, C replaced by A.
Protein change: p.Pro820Thr; replaces proline 820 with threonine.
Molecular consequence: missense variant. On other transcripts: intron variant (2).
Genome position (GRCh38, 1-based): chr5:83,520,764, C>A. VCF-style: chr5-83520764-C-A. GRCh37 (hg19) VCF-style: chr5-82816583-C-A.
Other names: c.2458C>A, p.Pro820Thr (NM_001164098.2); c.1042+8368C>A (NM_001164097.2, NM_001126336.3); short protein forms P820T.
Identifiers: ClinVar variation 4198492 (VCV004198492.3).